The following is an entry in ClinVar:

ClinVar aggregate classification (germline): Uncertain significance (1 of 4 stars; one submission).

Submission:

Labcorp Genetics (formerly Invitae), Labcorp
Classification: Uncertain significance. Last evaluated: 2022-10-24. Review status: criteria provided, single submitter. Criteria: Invitae Variant Classification Sherloc (09022015). Collection method: clinical testing. Allele origin: germline.
Comment: ClinVar contains an entry for this variant (Variation ID: 1366153). This variant has not been reported in the literature in individuals affected with RIMS1-related conditions. This variant is not present in population databases (gnomAD no frequency). This sequence change replaces arginine, which is basic and polar, with glycine, which is neutral and non-polar, at codon 575 of the RIMS1 protein (p.Arg575Gly). In summary, the available evidence is currently insufficient to determine the role of this variant in disease. Therefore, it has been classified as a Variant of Uncertain Significance. Algorithms developed to predict the effect of missense changes on protein structure and function (SIFT, PolyPhen-2, Align-GVGD) all suggest that this variant is likely to be disruptive.

NM_014989.7(RIMS1):c.1723C>G (p.Arg575Gly)

Gene: RIMS1 (regulating synaptic membrane exocytosis 1; plus strand). Cytogenetic location: 6q13.
Variant type: single nucleotide variant.
Coding change: c.1723C>G on transcript NM_014989.7 (MANE Select); coding-DNA position 1723, C replaced by G.
Protein change: p.Arg575Gly; replaces arginine 575 with glycine.
Molecular consequence: missense variant. On other transcripts: 5 prime UTR variant (9).
Genome position (GRCh38, 1-based): chr6:72,233,817, C>G. VCF-style: chr6-72233817-C-G. GRCh37 (hg19) VCF-style: chr6-72943520-C-G.
Other names: c.145C>G, p.Arg49Gly (NM_001168407.2, NM_001168408.2, NM_001350414.2 and 37 more transcripts); c.-99C>G (NM_001168409.2, NM_001350461.2, NM_001350463.2 and 6 more transcripts); c.100C>G, p.Arg34Gly (NM_001168410.2, NM_001350470.2, NM_001350472.2 and 2 more transcripts); c.76C>G, p.Arg26Gly (NM_001350421.2, NM_001350424.2, NM_001350428.2 and 6 more transcripts); short protein forms R575G, R26G, R34G, R49G.
Identifiers: ClinVar variation 1366153 (VCV001366153.8), dbSNP rs767118962, ClinGen allele CA364823416.
Genomic context (GRCh38, chr6:72,233,817, plus strand): 5'-TTTTTGTATTGCACAGGTGATTTGGATTATTACTGGTTGGATCCTGCCACGTGGCACAGC[C>G]GGGAGACATCACCTATTAGTTCGGTAAGTTTTCTGGAAAGTGTGTTTGGAGTTTAGGGAA-3'
Protein context (NP_055804.2, residues 565-585): YWLDPATWHS[Arg575Gly]ETSPISSHPV